The following is an entry in ClinVar:

ClinVar aggregate classification (germline): Uncertain significance (1 of 4 stars; one submission).

Conditions:
SQSTM1-related disorder. Also called: SQSTM1-Related Disorders.

Submission:

PreventionGenetics, part of Exact Sciences
Classification: Uncertain significance for SQSTM1-related condition. Last evaluated: 2023-04-25. Review status: criteria provided, single submitter. Criteria: ACMG Guidelines, 2015. Collection method: clinical testing. Allele origin: germline.
Comment: The SQSTM1 c.773A>G variant is predicted to result in the amino acid substitution p.Asp258Gly. To our knowledge, this variant has not been reported in the literature or in a large population database, indicating this variant is rare. At this time, the clinical significance of this variant is uncertain due to the absence of conclusive functional and genetic evidence.

NM_003900.5(SQSTM1):c.773A>G (p.Asp258Gly)

Gene: SQSTM1 (sequestosome 1; plus strand). Cytogenetic location: 5q35.3.
Variant type: single nucleotide variant.
Coding change: c.773A>G on transcript NM_003900.5 (MANE Select); coding-DNA position 773, A replaced by G.
Protein change: p.Asp258Gly; replaces aspartic acid 258 with glycine.
Molecular consequence: missense variant.
Genome position (GRCh38, 1-based): chr5:179,833,050, A>G. VCF-style: chr5-179833050-A-G. GRCh37 (hg19) VCF-style: chr5-179260050-A-G.
Other names: c.521A>G, p.Asp174Gly (NM_001142298.2, NM_001142299.2); short protein forms D174G, D258G.
Identifiers: ClinVar variation 2632887 (VCV002632887.1), dbSNP rs2480243917, ClinGen allele CA362450849.
Genomic context (GRCh38, chr5:179,833,050, plus strand): 5'-TGGGGGAACTTCACGGCTTGCTCTTTCCTCCTCCGCCTCTAGGCATTGAAGTTGATATCG[A>G]TGTGGAGCACGGAGGGAAAAGAAGCCGCCTGACCCCCGTCTCTCCAGAGAGTTCCAGCAC-3'
Protein context (NP_003891.1, residues 248-268): LSPLGIEVDI[Asp258Gly]VEHGGKRSRL